The following is an entry in ClinVar:

NM_000541.5(SAG):c.72_75+15del

Gene: SAG (S-antigen visual arrestin; plus strand). Cytogenetic location: 2q37.1.
Variant type: Deletion.
Coding change: c.72_75+15del on transcript NM_000541.5 (MANE Select); coding-DNA position 72 through 15 bases into the intron after coding-DNA position 75, 19 bases deleted (ATCGGTGAGTGGTGCACAA).
Molecular consequence: splice donor variant.
Genome position (GRCh38, 1-based): chr2:233,309,261-233,309,279, ATCGGTGAGTGGTGCACAA deleted; deleting any 19 consecutive bases within chr2:233,309,257-233,309,279 gives the same sequence; the c. name uses the placement nearest the transcript's 3' end. VCF-style (leftmost placement, unchanged base first): chr2-233309256-GACAAATCGGTGAGTGGTGC-G. GRCh37 (hg19) VCF-style: chr2-234217902-GACAAATCGGTGAGTGGTGC-G.
Other names: c.72_75+15del19 (NM_000541.4).
Identifiers: ClinVar variation 1511520 (VCV001511520.10), dbSNP rs771810575, ClinGen allele CA2174186.

ClinVar aggregate classification (germline): Likely pathogenic. Review status: criteria provided, multiple submitters, no conflicts (2 of 4 stars). 4 submissions from 4 submitters: Likely pathogenic (4). Last evaluated 2026-04-12.

Conditions:
Retinitis pigmentosa 47 (RP47). Identifiers: Orphanet 791, MedGen C3151061, MONDO:0013407, OMIM 613758.
Retinitis pigmentosa 96 (RP96). Also called: Retinitis pigmentosa 96, autosomal dominant. Identifiers: MedGen C5774303, MONDO:0859367, OMIM 620228.
Oguchi disease-1. Also called: Congenital stationary night blindness Oguchi type 1. Identifiers: MedGen C4551824, MONDO:0009775, OMIM 258100.
SAG-related disorder. Also called: SAG-related disorders; SAG-related condition.

Submissions (4):

PreventionGenetics, part of Exact Sciences
Classification: Likely pathogenic for SAG-related condition. Last evaluated: 2026-04-12. Review status: criteria provided, single submitter. Criteria: ACMG Guidelines, 2015. Collection method: clinical testing. Allele origin: germline.
Comment: The SAG c.72_75+15del19 variant is predicted to result in a deletion affecting a canonical splice site. This variant is predicted to impact splicing based on one available splicing algorithm (SpliceAI, Jaganathan et al. 2019. PubMed ID: 30661751). This variant was reported in the compound heterozygous state in an individual with Oguchi disease; This variant was also reported in the homozygous state in an individual with Oguchi disease (supplementary data, reported as c.68_75+11delACAAATCGGTGAGTGGTGC in Li et al. 2023. PubMed ID: 36729443). This variant was reported in the heterozygous state in a cohort of individuals with high myopia (Wan et al. 2018. PubMed ID: 30245926) and was reported in a cohort of individuals with retinitis pigmentosa with limited information presented (supplementary data, reported as c.68_75+11delACAAATCGGTGAGTGGTGC in Gao et al. 2019. PubMed ID: 31054281). This variant is reported in 0.011% of alleles in individuals of East Asian descent in gnomAD. This variant is interpreted as likely pathogenic for autosomal recessive disease, although the contribution of this variant to autosomal dominant disease at this time is uncertain.

Labcorp Genetics (formerly Invitae), Labcorp
Classification: Likely pathogenic. Last evaluated: 2022-11-07. Review status: criteria provided, single submitter. Criteria: Invitae Variant Classification Sherloc (09022015). Collection method: clinical testing. Allele origin: germline.
Comment: This variant results in the deletion of part of exon 2 (c.72_75+15del) of the SAG gene. It is expected to disrupt RNA splicing. Variants that disrupt the donor or acceptor splice site typically lead to a loss of protein function (PMID: 16199547), and loss-of-function variants in SAG are known to be pathogenic (PMID: 9452120, 15234147, 22665972). In summary, the currently available evidence indicates that the variant is pathogenic, but additional data are needed to prove that conclusively. Therefore, this variant has been classified as Likely Pathogenic. Algorithms developed to predict the effect of sequence changes on RNA splicing suggest that this variant may disrupt the consensus splice site. ClinVar contains an entry for this variant (Variation ID: 1511520). This variant is also known as c.68_75+11del. This variant has been observed in individual(s) with clinical features of inherited retinal dystrophy (PMID: 30245926, 31054281). The frequency data for this variant in the population databases is considered unreliable, as metrics indicate poor data quality at this position in the gnomAD database.

Blueprint Genetics
Classification: Likely pathogenic for SAG-related disorders. Last evaluated: 2020-03-06. Review status: criteria provided, single submitter. Criteria: ACMG Guidelines, 2015. Collection method: clinical testing. Allele origin: germline. Affected: yes. Observed: 1 variant allele.

Juno Genomics, Hangzhou Juno Genomics, Inc
Classification: Likely pathogenic for Retinitis pigmentosa 47; Retinitis pigmentosa 96; Oguchi disease-1. Review status: criteria provided, single submitter. Criteria: ACMG Guidelines, 2015. Collection method: clinical testing. Allele origin: germline. Affected: yes.
Comment: Absent from controls (or at extremely low frequency if recessive) in Genome Aggregation Database, Exome Sequencing Project, 1000 Genomes Project, or Exome Aggregation Consortium.;Null variant in a gene where loss of function (LOF) is a known mechanism of disease.;For recessive disorders, detected in trans with a pathogenic variant.;Patient's phenotype or family history is highly specific for a disease with a single genetic etiology.

Literature cited by the submitters: PubMed 16199547 (cited by Labcorp Genetics (formerly Invitae), Labcorp); PubMed 9452120 (cited by Labcorp Genetics (formerly Invitae), Labcorp); PubMed 15234147 (cited by Labcorp Genetics (formerly Invitae), Labcorp); PubMed 22665972 (cited by Labcorp Genetics (formerly Invitae), Labcorp); PubMed 30245926 (cited by Labcorp Genetics (formerly Invitae), Labcorp); PubMed 31054281 (cited by Labcorp Genetics (formerly Invitae), Labcorp).